The following is an entry in ClinVar:

NM_000465.4(BARD1):c.1190_1191del (p.Ser397fs)

Gene: BARD1 (BRCA1 associated RING domain 1; minus strand). Cytogenetic location: 2q35.
Variant type: Deletion.
Coding change: c.1190_1191del on transcript NM_000465.4 (MANE Select); coding-DNA positions 1190 to 1191, 2 bases deleted (CT; older notation c.1190_1191delCT).
Protein change: p.Ser397fs; shifts the reading frame from serine 397.
Molecular consequence: frameshift variant. On other transcripts: non-coding transcript variant (2), intron variant (3).
Genome position (GRCh38, 1-based): chr2:214,780,683-214,780,684, AG deleted on the plus strand (CT on the coding strand, the reverse complement: BARD1 is on the minus strand); deleting any 2 consecutive bases within chr2:214,780,683-214,780,685 gives the same sequence; the c. name uses the placement nearest the transcript's 3' end. VCF-style (leftmost placement, unchanged base first): chr2-214780682-TAG-T. GRCh37 (hg19) VCF-style: chr2-215645406-TAG-T.
Other names: c.1133_1134del, p.Ser378fs (NM_001282543.2); c.159-28129_159-28128del (NM_001282548.2); c.215+16377_215+16378del (NM_001282545.2); c.364+11613_364+11614del (NM_001282549.2); short protein forms S378fs, S397fs.
Identifiers: ClinVar variation 4824129 (VCV004824129.1).
Genomic context (GRCh38, chr2:214,780,682, plus strand): 5'-GCAACAGCTTCATTGCTGAGGGACTAGACATCACTCGCCTGTAACTTGAACTACTTAATG[TAG>T]AAGGTGGTGTACCTGGTGAAAGACTAATGAATTCATCGGACATGTTACTGTTTTTCCTCC-3'

ClinVar aggregate classification (germline): Pathogenic (1 of 4 stars; one submission).

Conditions:
Hereditary cancer-predisposing syndrome. Also called: Neoplastic Syndromes, Hereditary; Hereditary neoplastic syndrome; Tumor predisposition; Hereditary Cancer Syndrome. Identifiers: Orphanet 140162, MedGen C0027672, MeSH D009386, MONDO:0015356.

Submission:

Ambry Genetics
Classification: Pathogenic for Hereditary cancer-predisposing syndrome. Last evaluated: 2026-02-16. Review status: criteria provided, single submitter. Criteria: Ambry Variant Classification Scheme 2023. Collection method: clinical testing. Allele origin: germline.
Comment: The c.1190_1191delCT pathogenic mutation, located in coding exon 4 of the BARD1 gene, results from a deletion of two nucleotides at nucleotide positions 1190 to 1191, causing a translational frameshift with a predicted alternate stop codon (p.S397Yfs*4). This variant is considered to be rare based on population cohorts in the Genome Aggregation Database (gnomAD). This alteration is expected to result in loss of function by premature protein truncation or nonsense-mediated mRNA decay. As such, this alteration is interpreted as a disease-causing mutation.